The following is an entry in ClinVar:

ClinVar aggregate classification (germline): Likely pathogenic (1 of 4 stars; one submission).

Conditions:
PDCD10-related disorder. Also called: PDCD10-related condition.

Submission:

PreventionGenetics, part of Exact Sciences
Classification: Likely pathogenic for PDCD10-related condition. Last evaluated: 2026-09-17. Review status: criteria provided, single submitter. Criteria: ACMG Guidelines, 2015. Collection method: clinical testing. Allele origin: germline.
Comment: The PDCD10 c.131_132delTG variant is predicted to result in a frameshift and premature protein termination (p.Leu44Glnfs*8). To our knowledge, this variant has not been reported in the literature or in a large population database (gnomAD), indicating this variant is rare. Frameshift variants in PDCD10 are expected to be pathogenic. This variant is interpreted as likely pathogenic.

NM_007217.4(PDCD10):c.131_132del (p.Leu44fs)

Gene: PDCD10 (programmed cell death 10; minus strand). Cytogenetic location: 3q26.1.
Variant type: Deletion.
Coding change: c.131_132del on transcript NM_007217.4 (MANE Select); coding-DNA positions 131 to 132, 2 bases deleted (TG; older notation c.131_132delTG).
Protein change: p.Leu44fs; shifts the reading frame from leucine 44.
Molecular consequence: frameshift variant.
Genome position (GRCh38, 1-based): chr3:167,704,860-167,704,861, CA deleted on the plus strand (TG on the coding strand, the reverse complement: PDCD10 is on the minus strand). VCF-style (leftmost placement, unchanged base first): chr3-167704859-TCA-T. GRCh37 (hg19) VCF-style: chr3-167422647-TCA-T.
Other names: c.131_132del, p.Leu44fs (NM_001439202.1, NM_001439204.1, NM_001439205.1 and 2 more transcripts); short protein forms L44fs.
Identifiers: ClinVar variation 4992865 (VCV004992865.1).
Genomic context (GRCh38, chr3:167,704,859, plus strand): 5'-GAACATACACTTTAATAATCATAGTAAATTATTTGCACCTCACCTTGATGAAAGCGGCTC[TCA>T]GTGTCTGGGCTGCAGACAGATTTACTCGTTCTAGCTGCAATAAAAATTTTAAATTATTAT-3'